The following is an entry in ClinVar:

NM_000883.4(IMPDH1):c.1782C>A (p.Tyr594Ter)

Gene: IMPDH1 (inosine monophosphate dehydrogenase 1; minus strand). Cytogenetic location: 7q32.1.
Variant type: single nucleotide variant.
Coding change: c.1782C>A on transcript NM_000883.4 (MANE Select); coding-DNA position 1782, C replaced by A.
Protein change: p.Tyr594Ter; replaces tyrosine 594 with a stop codon.
Molecular consequence: nonsense.
Genome position (GRCh38, 1-based): chr7:128,393,025, G>T on the plus strand (C>A on the coding strand, the complement: IMPDH1 is on the minus strand). VCF-style: chr7-128393025-G-T. GRCh37 (hg19) VCF-style: chr7-128033079-G-T.
Other names: c.1752C>A, p.Tyr584Ter (NM_001102605.2); c.1527C>A, p.Tyr509Ter (NM_001142573.2); c.1512C>A, p.Tyr504Ter (NM_001142574.2); c.1452C>A, p.Tyr484Ter (NM_001142575.2); c.1683C>A, p.Tyr561Ter (NM_001142576.2); c.1575C>A, p.Tyr525Ter (NM_001304521.2); c.1674C>A, p.Tyr558Ter (NM_183243.3); short protein forms Y509*, Y561*, Y504*, Y558*, Y584*, Y484*, Y525*, Y594*.
Identifiers: ClinVar variation 2862860 (VCV002862860.3), dbSNP rs368622318, ClinGen allele CA4470700.
Genomic context (GRCh38, chr7:128,393,025, plus strand): 5'-TGGGGTGCATCCCCTCCACCACCTCGGCCTCCACCGCTGTCCTCAGTACAGCCGCTTTTC[G>T]TAACTGTGGGGACAAGGCAAGAGGGGGAACAAGAGTGGGTGTGTGGACCCTGCTCCTTCC-3'

ClinVar aggregate classification (germline): Uncertain significance (1 of 4 stars; one submission).

Allele frequency attached by ClinVar (database versions not stated): ExAC 0.00002; ESP Exome Variant Server 0.00008.

Submission:

Labcorp Genetics (formerly Invitae), Labcorp
Classification: Uncertain significance. Last evaluated: 2023-05-09. Review status: criteria provided, single submitter. Criteria: Invitae Variant Classification Sherloc (09022015). Collection method: clinical testing. Allele origin: germline.
Comment: In summary, the available evidence is currently insufficient to determine the role of this variant in disease. Therefore, it has been classified as a Variant of Uncertain Significance. This sequence change creates a premature translational stop signal (p.Tyr594*) in the IMPDH1 gene. While this is not anticipated to result in nonsense mediated decay, it is expected to disrupt the last 6 amino acid(s) of the IMPDH1 protein. This variant is present in population databases (rs368622318, gnomAD 0.006%). This variant has not been reported in the literature in individuals affected with IMPDH1-related conditions. Experimental studies and prediction algorithms are not available or were not evaluated, and the functional significance of this variant is currently unknown.